The following is an entry in ClinVar:

ClinVar aggregate classification (germline): Uncertain significance. Review status: criteria provided, multiple submitters, no conflicts (2 of 4 stars). 2 submissions from 2 submitters: Uncertain significance (2). Last evaluated 2025-03-31.

Conditions:
Inborn genetic diseases. Identifiers: MedGen C0950123, MeSH D030342.

Allele frequency attached by ClinVar (database versions not stated): gnomAD exomes below 0.00001; ExAC 0.00001; gnomAD 0.00004 and 0.00005; TOPMed 0.00004.
gnomAD v4.1: 9 of 1,613,794 alleles (0.00056%); highest among the groups gnomAD compares: African/African-American, 0.011%; no homozygotes.

Submissions (2):

Labcorp Genetics (formerly Invitae), Labcorp
Classification: Uncertain significance. Last evaluated: 2025-03-31. Review status: criteria provided, single submitter. Criteria: Invitae Variant Classification Sherloc (09022015). Collection method: clinical testing. Allele origin: germline.
Comment: This sequence change replaces histidine, which is basic and polar, with aspartic acid, which is acidic and polar, at codon 603 of the PDE6A protein (p.His603Asp). This variant is present in population databases (rs759801201, gnomAD 0.007%). This variant has not been reported in the literature in individuals affected with PDE6A-related conditions. ClinVar contains an entry for this variant (Variation ID: 1022783). Invitae Evidence Modeling of protein sequence and biophysical properties (such as structural, functional, and spatial information, amino acid conservation, physicochemical variation, residue mobility, and thermodynamic stability) has been performed for this missense variant. However, the output from this modeling did not meet the statistical confidence thresholds required to predict the impact of this variant on PDE6A protein function. In summary, the available evidence is currently insufficient to determine the role of this variant in disease. Therefore, it has been classified as a Variant of Uncertain Significance.

Ambry Genetics
Classification: Uncertain significance for Inborn genetic diseases. Last evaluated: 2024-07-17. Review status: criteria provided, single submitter. Criteria: Ambry Variant Classification Scheme 2023. Collection method: clinical testing. Allele origin: germline.

NM_000440.3(PDE6A):c.1807C>G (p.His603Asp)

Gene: PDE6A (phosphodiesterase 6A; minus strand). Cytogenetic location: 5q32.
Variant type: single nucleotide variant.
Coding change: c.1807C>G on transcript NM_000440.3 (MANE Select); coding-DNA position 1807, C replaced by G.
Protein change: p.His603Asp; replaces histidine 603 with aspartic acid.
Molecular consequence: missense variant.
Genome position (GRCh38, 1-based): chr5:149,886,296, G>C on the plus strand (C>G on the coding strand, the complement: PDE6A is on the minus strand). VCF-style: chr5-149886296-G-C. GRCh37 (hg19) VCF-style: chr5-149265859-G-C.
Other names: c.1807C>G (NM_000440.2); short protein forms H603D.
Identifiers: ClinVar variation 1022783 (VCV001022783.11), dbSNP rs759801201, ClinGen allele CA3504533.